The following is an entry in ClinVar:

ClinVar aggregate classification (germline): Uncertain significance. Review status: criteria provided, multiple submitters, no conflicts (2 of 4 stars). 2 submissions from 2 submitters: Uncertain significance (2). Last evaluated 2025-12-10.

Conditions:
Hereditary cancer-predisposing syndrome. Also called: Neoplastic Syndromes, Hereditary; Tumor predisposition; Hereditary neoplastic syndrome; Hereditary Cancer Syndrome. Identifiers: Orphanet 140162, MedGen C0027672, MeSH D009386, MONDO:0015356.
Ataxia-telangiectasia syndrome (AT). Also called: Ataxia-telangiectasia, complementation group D; AT, COMPLEMENTATION GROUP C; ATAXIA-TELANGIECTASIA, COMPLEMENTATION GROUP A; ATAXIA-TELANGIECTASIA, FRESNO VARIANT; Ataxia-telangiectasia; LOUIS-BAR SYNDROME. Identifiers: Orphanet 100, MedGen C0004135, MONDO:0008840, OMIM 208900.

Allele frequency attached by ClinVar (database versions not stated): gnomAD exomes below 0.00001.
gnomAD v4.1: 1 of 1,614,082 alleles (0.000062%); highest among the groups gnomAD compares: South Asian, 0.0011%; no homozygotes.

Submissions (2):

Labcorp Genetics (formerly Invitae), Labcorp
Classification: Uncertain significance for Ataxia-telangiectasia syndrome. Last evaluated: 2025-12-10. Review status: criteria provided, single submitter. Criteria: Invitae Variant Classification Sherloc (09022015). Collection method: clinical testing. Allele origin: germline.
Comment: This sequence change replaces isoleucine, which is neutral and non-polar, with threonine, which is neutral and polar, at codon 1022 of the ATM protein (p.Ile1022Thr). This variant is not present in population databases (gnomAD no frequency). This variant has not been reported in the literature in individuals affected with ATM-related conditions. ClinVar contains an entry for this variant (Variation ID: 1799424). Invitae Evidence Modeling of protein sequence and biophysical properties (such as structural, functional, and spatial information, amino acid conservation, physicochemical variation, residue mobility, and thermodynamic stability) indicates that this missense variant is not expected to disrupt ATM protein function with a negative predictive value of 95%. In summary, the available evidence is currently insufficient to determine the role of this variant in disease. Therefore, it has been classified as a Variant of Uncertain Significance.

Ambry Genetics
Classification: Uncertain significance for Hereditary cancer-predisposing syndrome. Last evaluated: 2021-07-19. Review status: criteria provided, single submitter. Criteria: Ambry Variant Classification Scheme 2023. Collection method: clinical testing. Allele origin: germline.
Comment: The p.I1022T variant (also known as c.3065T>C), located in coding exon 19 of the ATM gene, results from a T to C substitution at nucleotide position 3065. The isoleucine at codon 1022 is replaced by threonine, an amino acid with similar properties. This variant was reported in 1/60,466 breast cancer cases and in 0/53,461 controls (Dorling et al. N Engl J Med. 2021 02;384:428-439). This amino acid position is poorly conserved in available vertebrate species. In addition, the in silico prediction for this alteration is inconclusive. Since supporting evidence is limited at this time, the clinical significance of this alteration remains unclear.

Literature cited by the submitters: PubMed 33471991 (cited by Ambry Genetics).

NM_000051.4(ATM):c.3065T>C (p.Ile1022Thr)

Gene: ATM (ATM serine/threonine kinase; plus strand). Cytogenetic location: 11q22.3.
Variant type: single nucleotide variant.
Coding change: c.3065T>C on transcript NM_000051.4 (MANE Select); coding-DNA position 3065, T replaced by C.
Protein change: p.Ile1022Thr; replaces isoleucine 1022 with threonine.
Molecular consequence: missense variant.
Genome position (GRCh38, 1-based): chr11:108,271,394, T>C. VCF-style: chr11-108271394-T-C. GRCh37 (hg19) VCF-style: chr11-108142121-T-C.
Other names: c.3065T>C, p.Ile1022Thr (NM_001351834.2); short protein forms I1022T.
Identifiers: ClinVar variation 1799424 (VCV001799424.3), dbSNP rs1591604769, ClinGen allele CA382547667.
Genomic context (GRCh38, chr11:108,271,394, plus strand): 5'-GTCAAAGCAATATGGACTCTGAGAACACAAGGGATGCTCAAGGACAGTTTCTTACAGTAA[T>C]TGGAGCATTTTGGTAGGTACAGTCTATTTTGTGGTCCTATTTTTCTTTTGCTATCTGTGG-3'
Protein context (NP_000042.3, residues 1012-1032): RDAQGQFLTV[Ile1022Thr]GAFWHLTKER